The following is an entry in ClinVar:

NM_015192.4(PLCB1):c.1250C>T (p.Ser417Phe)

Gene: PLCB1 (phospholipase C beta 1; plus strand). Cytogenetic location: 20p12.3.
Variant type: single nucleotide variant.
Coding change: c.1250C>T on transcript NM_015192.4 (MANE Select); coding-DNA position 1250, C replaced by T.
Protein change: p.Ser417Phe; replaces serine 417 with phenylalanine.
Molecular consequence: missense variant.
Genome position (GRCh38, 1-based): chr20:8,708,752, C>T. VCF-style: chr20-8708752-C-T. GRCh37 (hg19) VCF-style: chr20-8689399-C-T.
Other names: c.1250C>T, p.Ser417Phe (NM_182734.3); short protein forms S417F.
Identifiers: ClinVar variation 1000275 (VCV001000275.6), dbSNP rs559611655, ClinGen allele CA9759905.
Genomic context (GRCh38, chr20:8,708,752, plus strand): 5'-AGTGTGCATTTAAGACTTCACCTTTTCCAATTCTCCTTTCGTTTGAGAACCATGTGGATT[C>T]GTAAGTATTCAACACATTCAGGAATGAGTCTTTTTCCCGAATAGGGCATACTGAGTAATT-3'
Protein context (NP_056007.1, residues 407-427): ILLSFENHVD[Ser417Phe]PKQQAKMAEY

ClinVar aggregate classification (germline): Uncertain significance (1 of 4 stars; one submission).

Conditions:
Developmental and epileptic encephalopathy, 12 (DEE12). Identifiers: MedGen C3150988, MONDO:0013389, OMIM 613722.

Allele frequency attached by ClinVar (database versions not stated): ExAC 0.00001; gnomAD exomes 0.00001; TOPMed 0.00001; 1000 Genomes Project 30x 0.00016; 1000 Genomes Project 0.00020.
gnomAD v4.1: 14 of 1,593,368 alleles (0.00088%); highest among the groups gnomAD compares: Non-Finnish European, 0.0011%; no homozygotes.

Submission:

Labcorp Genetics (formerly Invitae), Labcorp
Classification: Uncertain significance for Developmental and epileptic encephalopathy, 12. Last evaluated: 2022-06-13. Review status: criteria provided, single submitter. Criteria: Invitae Variant Classification Sherloc (09022015). Collection method: clinical testing. Allele origin: germline.
Comment: This sequence change replaces serine, which is neutral and polar, with phenylalanine, which is neutral and non-polar, at codon 417 of the PLCB1 protein (p.Ser417Phe). This variant is present in population databases (rs559611655, gnomAD 0.003%). This variant has not been reported in the literature in individuals affected with PLCB1-related conditions. ClinVar contains an entry for this variant (Variation ID: 1000275). Algorithms developed to predict the effect of missense changes on protein structure and function are either unavailable or do not agree on the potential impact of this missense change (SIFT: "Deleterious"; PolyPhen-2: "Probably Damaging"; Align-GVGD: "Class C15"). Algorithms developed to predict the effect of sequence changes on RNA splicing suggest that this variant may disrupt the consensus splice site. In summary, the available evidence is currently insufficient to determine the role of this variant in disease. Therefore, it has been classified as a Variant of Uncertain Significance.